The following is an entry in ClinVar:

NM_001844.5(COL2A1):c.3305C>T (p.Pro1102Leu)

Gene: COL2A1 (collagen type II alpha 1 chain; minus strand). Cytogenetic location: 12q13.11.
Variant type: single nucleotide variant.
Coding change: c.3305C>T on transcript NM_001844.5 (MANE Select); coding-DNA position 3305, C replaced by T.
Protein change: p.Pro1102Leu; replaces proline 1102 with leucine.
Molecular consequence: missense variant.
Genome position (GRCh38, 1-based): chr12:47,977,124, G>A on the plus strand (C>T on the coding strand, the complement: COL2A1 is on the minus strand). VCF-style: chr12-47977124-G-A. GRCh37 (hg19) VCF-style: chr12-48370907-G-A.
Other names: c.3098C>T, p.Pro1033Leu (NM_033150.3); short protein forms P1033L, P1102L.
Identifiers: ClinVar variation 1304995 (VCV001304995.2), dbSNP rs772478856, ClinGen allele CA6534799.
Genomic context (GRCh38, chr12:47,977,124, plus strand): 5'-CCTGGTGGGGACTCAGTGCAGGACACTTGGATACTCACCTGGATTCCCCGGGCTCCAGCT[G>A]GTCCTGAGGGTCCCATGGGGCCTTGTGCACCCTGAGGAGAGAGTGAGCGCAGCGTCAGAG-3'
Protein context (NP_001835.3, residues 1092-1112): GAQGPMGPSG[Pro1102Leu]AGARGIQGPQ

ClinVar aggregate classification (germline): Uncertain significance (1 of 4 stars; one submission).

Allele frequency attached by ClinVar (database versions not stated): ExAC 0.00001.

Submission:

GeneDx
Classification: Uncertain significance. Last evaluated: 2019-04-08. Review status: criteria provided, single submitter. Criteria: GeneDx Variant Classification Process June 2021. Collection method: clinical testing. Allele origin: germline. Affected: yes.
Comment: Has not been previously published as pathogenic or benign to our knowledge; In silico analysis, which includes protein predictors and evolutionary conservation, supports a deleterious effect; Occurs in the triple helical domain at the X position in the canonical Gly-X-Y repeat. Although this variant may have an effect on normal protein folding and function, missense substitution at the X position is not a common mechanism of disease (Stenson et al., 2014); Not observed in large population cohorts (Lek et al., 2016)